The following is an entry in ClinVar:

ClinVar aggregate classification (germline): Uncertain significance (1 of 4 stars; one submission).

Submission:

Labcorp Genetics (formerly Invitae), Labcorp
Classification: Uncertain significance. Last evaluated: 2022-11-22. Review status: criteria provided, single submitter. Criteria: Invitae Variant Classification Sherloc (09022015). Collection method: clinical testing. Allele origin: germline.
Comment: This variant has not been reported in the literature in individuals affected with KMT2A-related conditions. In summary, the available evidence is currently insufficient to determine the role of this variant in disease. Therefore, it has been classified as a Variant of Uncertain Significance. Advanced modeling of protein sequence and biophysical properties (such as structural, functional, and spatial information, amino acid conservation, physicochemical variation, residue mobility, and thermodynamic stability) performed at Invitae indicates that this missense variant is not expected to disrupt KMT2A protein function. This variant is not present in population databases (gnomAD no frequency). This sequence change replaces aspartic acid, which is acidic and polar, with asparagine, which is neutral and polar, at codon 525 of the KMT2A protein (p.Asp525Asn).

NM_001197104.2(KMT2A):c.1573G>A (p.Asp525Asn)

Gene: KMT2A (lysine methyltransferase 2A; plus strand). Cytogenetic location: 11q23.3.
Variant type: single nucleotide variant.
Coding change: c.1573G>A on transcript NM_001197104.2 (MANE Select); coding-DNA position 1573, G replaced by A.
Protein change: p.Asp525Asn; replaces aspartic acid 525 with asparagine.
Molecular consequence: missense variant.
Genome position (GRCh38, 1-based): chr11:118,472,732, G>A. VCF-style: chr11-118472732-G-A. GRCh37 (hg19) VCF-style: chr11-118343447-G-A.
Other names: c.1672G>A, p.Asp558Asn (NM_001412597.1); c.1573G>A, p.Asp525Asn (NM_005933.4); short protein forms D525N, D558N.
Identifiers: ClinVar variation 2053428 (VCV002053428.4), dbSNP rs2496801095, ClinGen allele CA382810398.
Genomic context (GRCh38, chr11:118,472,732, plus strand): 5'-GATACCCCTGAAGTTCATCCTCCACTGCCCATTTCCCAGTCCCCAGAAAATGAGAGTAAT[G>A]ATAGGAGAAGCAGAAGGTATTCAGTGTCGGAGAGAAGTTTTGGATCTAGAACGACGAAAA-3'
Protein context (NP_001184033.1, residues 515-535): ISQSPENESN[Asp525Asn]RRSRRYSVSE